The following is an entry in ClinVar:

ClinVar aggregate classification (germline): Benign/Likely benign. Review status: criteria provided, multiple submitters, no conflicts (2 of 4 stars). 2 submissions from 2 submitters: Benign (1); Likely benign (1). Last evaluated 2024-04-29.

Conditions:
Familial cancer of breast. Also called: hereditary breast carcinoma; BREAST CANCER, FAMILIAL; Hereditary breast cancer. Identifiers: Orphanet 227535, MedGen C0346153, MONDO:0016419, OMIM 114480. Disease mechanism: loss of function.
Ataxia-telangiectasia syndrome (AT). Also called: Cerebello-oculocutaneous telangiectasia; Immunodeficiency with ataxia telangiectasia; LOUIS-BAR SYNDROME; Ataxia-telangiectasia, complementation group D; AT, COMPLEMENTATION GROUP C; Ataxia-telangiectasia. Identifiers: Orphanet 100, MedGen C0004135, MONDO:0008840, OMIM 208900.

Submissions (2):

Myriad Genetics, Inc.
Classification: Benign for Familial cancer of breast. Last evaluated: 2024-04-29. Review status: criteria provided, single submitter. Criteria: Myriad Autosomal Dominant, Autosomal Recessive and X-Linked Classification Criteria (2023). Collection method: clinical testing. Allele origin: unknown.
Comment: This variant is considered benign. This variant is a silent/synonymous amino acid change and it is not expected to impact splicing.

Labcorp Genetics (formerly Invitae), Labcorp
Classification: Likely benign for Ataxia-telangiectasia syndrome. Last evaluated: 2024-02-12. Review status: criteria provided, single submitter. Criteria: Invitae Variant Classification Sherloc (09022015). Collection method: clinical testing. Allele origin: germline.

NM_000051.4(ATM):c.1473C>A (p.Thr491=)

Gene: ATM (ATM serine/threonine kinase; plus strand). Cytogenetic location: 11q22.3.
Variant type: single nucleotide variant.
Coding change: c.1473C>A on transcript NM_000051.4 (MANE Select); coding-DNA position 1473, C replaced by A.
Protein change: p.Thr491=; no amino-acid change (threonine 491 retained).
Molecular consequence: synonymous variant.
Genome position (GRCh38, 1-based): chr11:108,250,938, C>A. VCF-style: chr11-108250938-C-A. GRCh37 (hg19) VCF-style: chr11-108121665-C-A.
Other names: c.1473C>A, p.Thr491= (NM_001351834.2).
Identifiers: ClinVar variation 1558365 (VCV001558365.9), dbSNP rs764937436, ClinGen allele CA476744848.